The following is an entry in ClinVar:

NM_144499.3(GNAT1):c.136G>A (p.Val46Ile)

Gene: GNAT1 (G protein subunit alpha transducin 1; plus strand). Cytogenetic location: 3p21.31.
Variant type: single nucleotide variant.
Coding change: c.136G>A on transcript NM_144499.3 (MANE Select); coding-DNA position 136, G replaced by A.
Protein change: p.Val46Ile; replaces valine 46 with isoleucine.
Molecular consequence: missense variant.
Genome position (GRCh38, 1-based): chr3:50,193,162, G>A. VCF-style: chr3-50193162-G-A. GRCh37 (hg19) VCF-style: chr3-50230595-G-A.
Other names: c.136G>A, p.Val46Ile (NM_000172.4); short protein forms V46I.
Identifiers: ClinVar variation 1515070 (VCV001515070.8), dbSNP rs764910362, ClinGen allele CA2412457.

ClinVar aggregate classification (germline): Uncertain significance (1 of 4 stars; one submission).

Allele frequency attached by ClinVar (database versions not stated): gnomAD exomes below 0.00001; ExAC 0.00001.

Submission:

Labcorp Genetics (formerly Invitae), Labcorp
Classification: Uncertain significance. Last evaluated: 2024-02-24. Review status: criteria provided, single submitter. Criteria: Invitae Variant Classification Sherloc (09022015). Collection method: clinical testing. Allele origin: germline.
Comment: This sequence change replaces valine, which is neutral and non-polar, with isoleucine, which is neutral and non-polar, at codon 46 of the GNAT1 protein (p.Val46Ile). This variant is present in population databases (rs764910362, gnomAD 0.006%). This variant has not been reported in the literature in individuals affected with GNAT1-related conditions. ClinVar contains an entry for this variant (Variation ID: 1515070). Advanced modeling of protein sequence and biophysical properties (such as structural, functional, and spatial information, amino acid conservation, physicochemical variation, residue mobility, and thermodynamic stability) performed at Invitae indicates that this missense variant is not expected to disrupt GNAT1 protein function with a negative predictive value of 80%. In summary, the available evidence is currently insufficient to determine the role of this variant in disease. Therefore, it has been classified as a Variant of Uncertain Significance.